The following is an entry in ClinVar:

NM_001386298.1(CIC):c.7407C>G (p.Thr2469=)

Gene: CIC (capicua transcriptional repressor; plus strand). Cytogenetic location: 19q13.2.
Variant type: single nucleotide variant.
Coding change: c.7407C>G on transcript NM_001386298.1 (MANE Select); coding-DNA position 7407, C replaced by G.
Protein change: p.Thr2469=; no amino-acid change (threonine 2469 retained).
Molecular consequence: synonymous variant.
Genome position (GRCh38, 1-based): chr19:42,295,044, C>G. VCF-style: chr19-42295044-C-G. GRCh37 (hg19) VCF-style: chr19-42799196-C-G.
Other names: c.7407C>G, p.Thr2469= (NM_001304815.2); c.7404C>G, p.Thr2468= (NM_001379480.1, NM_001379482.1); c.4674C>G, p.Thr1558= (NM_001379484.1); c.4671C>G, p.Thr1557= (NM_001379485.1); c.4680C>G, p.Thr1560= (NM_015125.5).
Identifiers: ClinVar variation 1033736 (VCV001033736.1), dbSNP rs2038417716, ClinGen allele CA507705943.

ClinVar aggregate classification (germline): Uncertain significance (1 of 4 stars; one submission).

Conditions:
Intellectual developmental disorder, autosomal dominant 45. Also called: MENTAL RETARDATION, AUTOSOMAL DOMINANT 45; Intellectual disability, autosomal dominant 45. Identifiers: MedGen C4539848, MONDO:0030910, OMIM 617600.

Submission:

Baylor Genetics
Classification: Uncertain significance for Intellectual developmental disorder, autosomal dominant 45. Last evaluated: 2018-07-27. Review status: criteria provided, single submitter. Criteria: ACMG Guidelines, 2015. Collection method: clinical testing. Allele origin: unknown. Affected: yes.
Comment: This variant was determined to be of uncertain significance according to ACMG Guidelines, 2015 [PMID:25741868].